The following is an entry in ClinVar:

NM_001367823.1(ARHGEF18):c.1849A>C (p.Thr617Pro)

Gene: ARHGEF18 (Rho/Rac guanine nucleotide exchange factor 18; plus strand). Cytogenetic location: 19p13.2.
Variant type: single nucleotide variant.
Coding change: c.1849A>C on transcript NM_001367823.1 (MANE Select); coding-DNA position 1849, A replaced by C.
Protein change: p.Thr617Pro; replaces threonine 617 with proline.
Molecular consequence: missense variant.
Genome position (GRCh38, 1-based): chr19:7,451,260, A>C. VCF-style: chr19-7451260-A-C. GRCh37 (hg19) VCF-style: chr19-7516146-A-C.
Other names: c.1123A>C, p.Thr375Pro (NM_001130955.2); c.811A>C, p.Thr271Pro (NM_001367824.1, NM_015318.4); short protein forms T271P, T617P, T375P.
Identifiers: ClinVar variation 940960 (VCV000940960.10), dbSNP rs1975440818, ClinGen allele CA403110883.

ClinVar aggregate classification (germline): Uncertain significance. Review status: criteria provided, multiple submitters, no conflicts (2 of 4 stars). 2 submissions from 2 submitters: Uncertain significance (2). Last evaluated 2022-07-19.

gnomAD v4.1: 1 of 1,613,446 alleles (0.000062%); highest among the groups gnomAD compares: Non-Finnish European, 0.000085%; no homozygotes.

Submissions (2):

Labcorp Genetics (formerly Invitae), Labcorp
Classification: Uncertain significance. Last evaluated: 2022-07-19. Review status: criteria provided, single submitter. Criteria: Invitae Variant Classification Sherloc (09022015). Collection method: clinical testing. Allele origin: germline.
Comment: This sequence change replaces threonine, which is neutral and polar, with proline, which is neutral and non-polar, at codon 429 of the ARHGEF18 protein (p.Thr429Pro). In summary, the available evidence is currently insufficient to determine the role of this variant in disease. Therefore, it has been classified as a Variant of Uncertain Significance. Algorithms developed to predict the effect of missense changes on protein structure and function are either unavailable or do not agree on the potential impact of this missense change (SIFT: "Deleterious"; PolyPhen-2: "Probably Damaging"; Align-GVGD: "Class C0"). ClinVar contains an entry for this variant (Variation ID: 940960). This variant has not been reported in the literature in individuals affected with ARHGEF18-related conditions. This variant is not present in population databases (gnomAD no frequency).

Blueprint Genetics
Classification: Uncertain significance. Last evaluated: 2021-07-20. Review status: criteria provided, single submitter. Criteria: ACMG Guidelines, 2015. Collection method: clinical testing. Allele origin: germline.